The following is an entry in ClinVar:

NM_004655.4(AXIN2):c.1878_1879del (p.Ser626fs)

Gene: AXIN2 (axin 2; minus strand). Cytogenetic location: 17q24.1.
Variant type: Deletion.
Coding change: c.1878_1879del on transcript NM_004655.4 (MANE Select); coding-DNA positions 1878 to 1879, 2 bases deleted (TG; older notation c.1878_1879delTG).
Protein change: p.Ser626fs; shifts the reading frame from serine 626.
Molecular consequence: frameshift variant. On other transcripts: intron variant (1).
Genome position (GRCh38, 1-based): chr17:65,536,897-65,536,898, CA deleted on the plus strand (TG on the coding strand, the reverse complement: AXIN2 is on the minus strand); deleting any 2 consecutive bases within chr17:65,536,897-65,536,899 gives the same sequence; the c. name uses the placement nearest the transcript's 3' end. VCF-style (leftmost placement, unchanged base first): chr17-65536896-TCA-T. GRCh37 (hg19) VCF-style: chr17-63533014-TCA-T.
Other names: c.1713-345_1713-344del (NM_001363813.1); short protein forms S626fs.
Identifiers: ClinVar variation 937467 (VCV000937467.9), dbSNP rs2043931958, ClinGen allele CA1139665828.

ClinVar aggregate classification (germline): Uncertain significance (1 of 4 stars; one submission).

Conditions:
Oligodontia-cancer predisposition syndrome. Also called: TOOTH AGENESIS-COLORECTAL CANCER SYNDROME. Identifiers: Orphanet 300576, MedGen C1837750, MONDO:0012075, OMIM 608615. Disease mechanism: loss of function.

Submission:

Labcorp Genetics (formerly Invitae), Labcorp
Classification: Uncertain significance for Oligodontia-cancer predisposition syndrome. Last evaluated: 2021-06-23. Review status: criteria provided, single submitter. Criteria: Invitae Variant Classification Sherloc (09022015). Collection method: clinical testing. Allele origin: germline.
Comment: This sequence change creates a premature translational stop signal (p.Ser626Argfs*10) in the AXIN2 gene. However, it is currently unclear if variants that occur in this region of the gene cause disease. This variant is not present in population databases (ExAC no frequency). This variant has not been reported in the literature in individuals with AXIN2-related conditions. In summary, the available evidence is currently insufficient to determine the role of this variant in disease. Therefore, it has been classified as a Variant of Uncertain Significance. Tissue-specific transcript isoforms that skip in-frame exon 7 (also known as exon 6 in the literature) have been described (PMID: 15735151), questioning the clinical significance of deleting this exon through alternative splicing and/or whole exon deletion. Although loss-of-function variants in AXIN2 are known to be pathogenic (PMID: 21416598, 15042511), the clinical significance of truncating (nonsense, frameshift) variants within exon 7 is uncertain.

Literature cited by the submitters: PubMed 15735151; PubMed 21416598; PubMed 15042511.